The following is an entry in ClinVar:

ClinVar aggregate classification (germline): Conflicting classifications of pathogenicity. Review status: criteria provided, conflicting classifications (1 of 4 stars). 2 submissions from 2 submitters: Uncertain significance (1); Benign (1). Last evaluated 2026-02-17.

gnomAD v4.1: 90 of 1,548,766 alleles (0.0058%); highest among the groups gnomAD compares: East Asian, 0.012%; no homozygotes.

Submissions (2):

Women's Health and Genetics/Laboratory Corporation of America, LabCorp
Classification: Uncertain significance. Last evaluated: 2026-02-17. Review status: criteria provided, single submitter. Criteria: LabCorp Variant Classification Summary - May 2015. Collection method: clinical testing. Allele origin: germline.
Comment: Variant summary: TUBG1 c.-12G>T is located in the untranslated mRNA region upstream of the initiation codon. The variant allele was found at a frequency of 9.9e-05 in 151080 control chromosomes. This frequency is not significantly higher than estimated for disease-causing variants in TUBG1, allowing no conclusion about variant significance. To our knowledge, no occurrence of c.-12G>T in individuals affected with TUBG1-related conditions and no experimental evidence demonstrating its impact on protein function have been reported. No submitters have cited clinical-significance assessments for this variant to ClinVar. Based on the evidence outlined above, the variant was classified as uncertain significance.

Blueprint Genetics
Classification: Benign. Last evaluated: 2024-10-17. Review status: criteria provided, single submitter. Criteria: ACMG Guidelines, 2015. Collection method: clinical testing. Allele origin: germline.

NM_001070.5(TUBG1):c.-12G>T

Gene: TUBG1 (tubulin gamma 1; plus strand). Cytogenetic location: 17q21.2.
Variant type: single nucleotide variant.
Coding change: c.-12G>T on transcript NM_001070.5 (MANE Select); 12 bases upstream of the start codon, G replaced by T.
Molecular consequence: 5 prime UTR variant.
Genome position (GRCh38, 1-based): chr17:42,609,726, G>T. VCF-style: chr17-42609726-G-T. GRCh37 (hg19) VCF-style: chr17-40761744-G-T.
Identifiers: ClinVar variation 4848298 (VCV004848298.2).